The following is an entry in ClinVar:

ClinVar aggregate classification (germline): Uncertain significance (1 of 4 stars; one submission).

Allele frequency attached by ClinVar (database versions not stated): ExAC 0.00001.

Submission:

Labcorp Genetics (formerly Invitae), Labcorp
Classification: Uncertain significance. Last evaluated: 2022-07-05. Review status: criteria provided, single submitter. Criteria: Invitae Variant Classification Sherloc (09022015). Collection method: clinical testing. Allele origin: germline.
Comment: This sequence change replaces serine, which is neutral and polar, with asparagine, which is neutral and polar, at codon 779 of the DSG1 protein (p.Ser779Asn). This variant is present in population databases (rs774017756, gnomAD 0.0009%). This variant has not been reported in the literature in individuals affected with DSG1-related conditions. ClinVar contains an entry for this variant (Variation ID: 1385787). Algorithms developed to predict the effect of missense changes on protein structure and function output the following: SIFT: "Deleterious"; PolyPhen-2: "Benign"; Align-GVGD: "Class C0". The asparagine amino acid residue is found in multiple mammalian species, which suggests that this missense change does not adversely affect protein function. In summary, the available evidence is currently insufficient to determine the role of this variant in disease. Therefore, it has been classified as a Variant of Uncertain Significance.

NM_001942.4(DSG1):c.2336G>A (p.Ser779Asn)

Genes: DSG1 (desmoglein 1; plus strand), DSG1-AS1 (DSG1 antisense RNA 1; minus strand), LOC126862720 (MED14-independent group 3 enhancer GRCh37_chr18:28933613-28934812; plus strand). Cytogenetic location: 18q12.1.
Variant type: single nucleotide variant.
Coding change: c.2336G>A on transcript NM_001942.4 (MANE Select); coding-DNA position 2336, G replaced by A.
Protein change: p.Ser779Asn; replaces serine 779 with asparagine.
Molecular consequence: missense variant.
Genome position (GRCh38, 1-based): chr18:31,354,532, G>A. VCF-style: chr18-31354532-G-A. GRCh37 (hg19) VCF-style: chr18-28934495-G-A.
Other names: short protein forms S779N.
Identifiers: ClinVar variation 1385787 (VCV001385787.6), dbSNP rs774017756, ClinGen allele CA8926341.